The following is an entry in ClinVar:

NM_019008.6(MIEF1):c.145-9C>G

Gene: MIEF1 (mitochondrial elongation factor 1; plus strand). Cytogenetic location: 22q13.1.
Variant type: single nucleotide variant.
Coding change: c.145-9C>G on transcript NM_019008.6 (MANE Select); 9 bases into the intron before coding-DNA position 145, C replaced by G.
Molecular consequence: intron variant.
Genome position (GRCh38, 1-based): chr22:39,511,840, C>G. VCF-style: chr22-39511840-C-G. GRCh37 (hg19) VCF-style: chr22-39907845-C-G.
Other names: c.145-9C>G (NM_001304564.2).
Identifiers: ClinVar variation 4986247 (VCV004986247.1).

ClinVar aggregate classification (germline): Likely benign (1 of 4 stars; one submission).

Conditions:
MIEF1-related condition.

Submission:

PreventionGenetics, part of Exact Sciences
Classification: Likely benign for MIEF1-related condition. Last evaluated: 2025-10-07. Review status: criteria provided, single submitter. Criteria: ACMG Guidelines, 2015. Collection method: clinical testing. Allele origin: germline.
Comment: This variant is classified as likely benign based on ACMG/AMP sequence variant interpretation guidelines (Richards et al. 2015 PMID: 25741868, with internal and published modifications).